The following is an entry in ClinVar:

ClinVar aggregate classification (germline): Uncertain significance (1 of 4 stars; one submission).

gnomAD v4.1: 7 of 1,598,808 alleles (0.00044%); highest among the groups gnomAD compares: African/African-American, 0.004%; no homozygotes.

Submission:

GeneDx
Classification: Uncertain significance. Last evaluated: 2025-07-08. Review status: criteria provided, single submitter. Criteria: GeneDx Variant Classification Process June 2021. Collection method: clinical testing. Allele origin: germline. Affected: yes.
Comment: In silico analysis supports that this missense variant has a deleterious effect on protein structure/function; Has not been previously published as pathogenic or benign to our knowledge

NM_198576.4(AGRN):c.4456G>A (p.Gly1486Ser)

Gene: AGRN (agrin; plus strand). Cytogenetic location: 1p36.33.
Variant type: single nucleotide variant.
Coding change: c.4456G>A on transcript NM_198576.4 (MANE Select); coding-DNA position 4456, G replaced by A.
Protein change: p.Gly1486Ser; replaces glycine 1486 with serine.
Molecular consequence: missense variant.
Genome position (GRCh38, 1-based): chr1:1,049,393, G>A. VCF-style: chr1-1049393-G-A. GRCh37 (hg19) VCF-style: chr1-984773-G-A.
Other names: c.4456G>A, p.Gly1486Ser (NM_001305275.2); c.4141G>A, p.Gly1381Ser (NM_001364727.2); short protein forms G1381S, G1486S.
Identifiers: ClinVar variation 4685444 (VCV004685444.1).